The following is an entry in ClinVar:

NM_003632.3(CNTNAP1):c.2199C>T (p.Asp733=)

Gene: CNTNAP1 (contactin associated protein 1; plus strand). Cytogenetic location: 17q21.2.
Variant type: single nucleotide variant.
Coding change: c.2199C>T on transcript NM_003632.3 (MANE Select); coding-DNA position 2199, C replaced by T.
Protein change: p.Asp733=; no amino-acid change (aspartic acid 733 retained).
Molecular consequence: synonymous variant.
Genome position (GRCh38, 1-based): chr17:42,691,276, C>T. VCF-style: chr17-42691276-C-T. GRCh37 (hg19) VCF-style: chr17-40843294-C-T.
Other names: c.2199C>T (NM_003632.2).
Identifiers: ClinVar variation 2176420 (VCV002176420.8), dbSNP rs144310425, ClinGen allele CA8581983.

ClinVar aggregate classification (germline): Likely benign. Review status: criteria provided, multiple submitters, no conflicts (2 of 4 stars). 3 submissions from 3 submitters: Likely benign (2). 1 of the submissions does not count toward it. Last evaluated 2026-01-27.

Conditions:
CNTNAP1-related disorder. Also called: CNTNAP1-related condition; CNTNAP1-related disease.

Allele frequency attached by ClinVar (database versions not stated): ExAC 0.00004; gnomAD 0.00008; TOPMed 0.00008; ESP Exome Variant Server 0.00015.
gnomAD v4.1: 46 of 1,614,024 alleles (0.0029%); highest among the groups gnomAD compares: African/African-American, 0.021%; no homozygotes.

Submissions (3):

Labcorp Genetics (formerly Invitae), Labcorp
Classification: Likely benign. Last evaluated: 2026-01-27. Review status: criteria provided, single submitter. Criteria: Invitae Variant Classification Sherloc (09022015). Collection method: clinical testing. Allele origin: germline.

Women's Health and Genetics/Laboratory Corporation of America, LabCorp
Classification: Likely benign. Last evaluated: 2025-04-28. Review status: criteria provided, single submitter. Criteria: LabCorp Variant Classification Summary - May 2015. Collection method: clinical testing. Allele origin: germline.

PreventionGenetics, part of Exact Sciences
Classification: Likely benign for CNTNAP1-related condition. Last evaluated: 2019-07-15. Review status: no assertion criteria provided. Collection method: clinical testing. Allele origin: germline. Not counted in ClinVar's aggregate classification.
Comment: This variant is classified as likely benign based on ACMG/AMP sequence variant interpretation guidelines (Richards et al. 2015 PMID: 25741868, with internal and published modifications).